The following is an entry in ClinVar:

NM_170784.3(MKKS):c.259A>G (p.Ser87Gly)

Gene: MKKS (MKKS centrosomal shuttling protein; minus strand). Cytogenetic location: 20p12.2.
Variant type: single nucleotide variant.
Coding change: c.259A>G on transcript NM_170784.3 (MANE Select); coding-DNA position 259, A replaced by G.
Protein change: p.Ser87Gly; replaces serine 87 with glycine.
Molecular consequence: missense variant.
Genome position (GRCh38, 1-based): chr20:10,413,256, T>C on the plus strand (A>G on the coding strand, the complement: MKKS is on the minus strand). VCF-style: chr20-10413256-T-C. GRCh37 (hg19) VCF-style: chr20-10393904-T-C.
Other names: c.259A>G, p.Ser87Gly (NM_018848.3); short protein forms S87G.
Identifiers: ClinVar variation 2076491 (VCV002076491.1), dbSNP rs751858146, ClinGen allele CA9763715.

ClinVar aggregate classification (germline): Uncertain significance (1 of 4 stars; one submission).

Conditions:
Bardet-Biedl syndrome (BBS). Identifiers: Orphanet 110, MedGen C0752166, MONDO:0015229.
McKusick-Kaufman syndrome (MKKS). Also called: HYDROMETROCOLPOS SYNDROME; HYDROMETROCOLPOS, POSTAXIAL POLYDACTYLY, AND CONGENITAL HEART MALFORMATION. Identifiers: Orphanet 2473, MedGen C0948368, MONDO:0009367, OMIM 236700.

Allele frequency attached by ClinVar (database versions not stated): ExAC 0.00001; gnomAD exomes 0.00001.
gnomAD v4.1: 11 of 1,614,230 alleles (0.00068%); highest among the groups gnomAD compares: African/African-American, 0.0013%; no homozygotes.

Submission:

Labcorp Genetics (formerly Invitae), Labcorp
Classification: Uncertain significance for McKusick-Kaufman syndrome; Bardet-Biedl syndrome. Last evaluated: 2022-07-24. Review status: criteria provided, single submitter. Criteria: Invitae Variant Classification Sherloc (09022015). Collection method: clinical testing. Allele origin: germline.
Comment: This sequence change replaces serine, which is neutral and polar, with glycine, which is neutral and non-polar, at codon 87 of the MKKS protein (p.Ser87Gly). This variant is present in population databases (rs751858146, gnomAD 0.007%). This variant has not been reported in the literature in individuals affected with MKKS-related conditions. Algorithms developed to predict the effect of missense changes on protein structure and function (SIFT, PolyPhen-2, Align-GVGD) all suggest that this variant is likely to be tolerated. In summary, the available evidence is currently insufficient to determine the role of this variant in disease. Therefore, it has been classified as a Variant of Uncertain Significance.